The following is an entry in ClinVar:

NM_002519.3(NPAT):c.2896C>T (p.Arg966Trp)

Gene: NPAT (nuclear protein, coactivator of histone transcription; minus strand). Cytogenetic location: 11q22.3.
Variant type: single nucleotide variant.
Coding change: c.2896C>T on transcript NM_002519.3 (MANE Select); coding-DNA position 2896, C replaced by T.
Protein change: p.Arg966Trp; replaces arginine 966 with tryptophan.
Molecular consequence: missense variant.
Genome position (GRCh38, 1-based): chr11:108,169,933, G>A on the plus strand (C>T on the coding strand, the complement: NPAT is on the minus strand). VCF-style: chr11-108169933-G-A. GRCh37 (hg19) VCF-style: chr11-108040660-G-A.
Other names: c.2896C>T, p.Arg966Trp (NM_001321307.1); c.2896C>T (NM_002519.2); short protein forms R966W.
Identifiers: ClinVar variation 2714978 (VCV002714978.4), dbSNP rs754474548, ClinGen allele CA6263712.

ClinVar aggregate classification (germline): Uncertain significance. Review status: criteria provided, multiple submitters, no conflicts (2 of 4 stars). 2 submissions from 2 submitters: Uncertain significance (2). Last evaluated 2026-01-24.

Allele frequency attached by ClinVar (database versions not stated): gnomAD 0.00001; ExAC 0.00002; gnomAD exomes 0.00002.
gnomAD v4.1: 26 of 1,612,458 alleles (0.0016%); highest among the groups gnomAD compares: Admixed American, 0.0033%; no homozygotes.

Submissions (2):

Labcorp Genetics (formerly Invitae), Labcorp
Classification: Uncertain significance. Last evaluated: 2026-01-24. Review status: criteria provided, single submitter. Criteria: Invitae Variant Classification Sherloc (09022015). Collection method: clinical testing. Allele origin: germline.
Comment: This sequence change replaces arginine, which is basic and polar, with tryptophan, which is neutral and slightly polar, at codon 966 of the NPAT protein (p.Arg966Trp). This variant is present in population databases (rs754474548, gnomAD 0.006%). This variant has not been reported in the literature in individuals affected with NPAT-related conditions. ClinVar contains an entry for this variant (Variation ID: 2714978). An algorithm developed to predict the effect of missense changes on protein structure and function (PolyPhen-2) suggests that this variant is likely to be disruptive. In summary, the available evidence is currently insufficient to determine the role of this variant in disease. Therefore, it has been classified as a Variant of Uncertain Significance.

Ambry Genetics
Classification: Uncertain significance. Last evaluated: 2025-06-22. Review status: criteria provided, single submitter. Criteria: Ambry Variant Classification Scheme 2023. Collection method: clinical testing. Allele origin: germline.